The following is an entry in ClinVar:

ClinVar aggregate classification (germline): Uncertain significance (1 of 4 stars; one submission).

Conditions:
Renal hypomagnesemia 4. Also called: HYPOMAGNESEMIA, RENAL, NORMOCALCIURIC. Identifiers: Orphanet 34527, MedGen C2673648, MONDO:0012717, OMIM 611718.

Submission:

Centre for Mendelian Genomics, University Medical Centre Ljubljana
Classification: Uncertain significance for Renal hypomagnesemia 4. Last evaluated: 2019-09-24. Review status: criteria provided, single submitter. Criteria: ACMG Guidelines, 2015. Collection method: clinical testing. Allele origin: unknown. Affected: yes.
Comment: This variant was classified as: Uncertain significance. The available evidence on this variant's pathogenicity is insufficient or conflicting. The following ACMG criteria were applied in classifying this variant: PM2,BP4.

NM_001963.6(EGF):c.803C>A (p.Thr268Lys)

Gene: EGF (epidermal growth factor; plus strand). Cytogenetic location: 4q25.
Variant type: single nucleotide variant.
Coding change: c.803C>A on transcript NM_001963.6 (MANE Select); coding-DNA position 803, C replaced by A.
Protein change: p.Thr268Lys; replaces threonine 268 with lysine.
Molecular consequence: missense variant.
Genome position (GRCh38, 1-based): chr4:109,945,138, C>A. VCF-style: chr4-109945138-C-A. GRCh37 (hg19) VCF-style: chr4-110866294-C-A.
Other names: c.803C>A, p.Thr268Lys (NM_001178130.3, NM_001178131.3, NM_001357021.2); short protein forms T268K.
Identifiers: ClinVar variation 931532 (VCV000931532.3), dbSNP rs1742618428, ClinGen allele CA357877169.